The following is an entry in ClinVar:

NM_001134407.3(GRIN2A):c.1880G>A (p.Ser627Asn)

Gene: GRIN2A (glutamate ionotropic receptor NMDA type subunit 2A; minus strand). Cytogenetic location: 16p13.2.
Variant type: single nucleotide variant.
Coding change: c.1880G>A on transcript NM_001134407.3 (MANE Select); coding-DNA position 1880, G replaced by A.
Protein change: p.Ser627Asn; replaces serine 627 with asparagine.
Molecular consequence: missense variant.
Genome position (GRCh38, 1-based): chr16:9,829,550, C>T on the plus strand (G>A on the coding strand, the complement: GRIN2A is on the minus strand). VCF-style: chr16-9829550-C-T. GRCh37 (hg19) VCF-style: chr16-9923407-C-T.
Other names: c.1880G>A, p.Ser627Asn (NM_000833.5, NM_001134408.2); short protein forms S627N.
Identifiers: ClinVar variation 2505888 (VCV002505888.4), dbSNP rs2141312658, ClinGen allele CA394799589.

ClinVar aggregate classification (germline): Conflicting classifications of pathogenicity. Review status: criteria provided, conflicting classifications (1 of 4 stars). 2 submissions from 2 submitters: Likely pathogenic (1); Uncertain significance (1). Last evaluated 2023-06-11.

Conditions:
Landau-Kleffner syndrome (FESD). Also called: APHASIA, ACQUIRED, WITH EPILEPSY; EPILEPSY, FOCAL, WITH SPEECH DISORDER AND WITH OR WITHOUT MENTAL RETARDATION. Identifiers: Orphanet 1945, Orphanet 725, Orphanet 98818, MedGen C0282512, MONDO:0009509, OMIM 245570.

Submissions (2):

GeneDx
Classification: Likely pathogenic. Last evaluated: 2023-06-11. Review status: criteria provided, single submitter. Criteria: GeneDx Variant Classification Process June 2021. Collection method: clinical testing. Allele origin: germline. Affected: yes.
Comment: Not observed at significant frequency in large population cohorts (gnomAD); In silico analysis supports that this missense variant has a deleterious effect on protein structure/function; This variant is associated with the following publications: (PMID: 27839871, AlQahtani2022[CaseReport])

Labcorp Genetics (formerly Invitae), Labcorp
Classification: Uncertain significance for Landau-Kleffner syndrome. Last evaluated: 2023-03-10. Review status: criteria provided, single submitter. Criteria: Invitae Variant Classification Sherloc (09022015). Collection method: clinical testing. Allele origin: germline.
Comment: In summary, the available evidence is currently insufficient to determine the role of this variant in disease. Therefore, it has been classified as a Variant of Uncertain Significance. Advanced modeling of protein sequence and biophysical properties (such as structural, functional, and spatial information, amino acid conservation, physicochemical variation, residue mobility, and thermodynamic stability) performed at Invitae indicates that this missense variant is expected to disrupt GRIN2A protein function. This variant has not been reported in the literature in individuals affected with GRIN2A-related conditions. This variant is not present in population databases (gnomAD no frequency). This sequence change replaces serine, which is neutral and polar, with asparagine, which is neutral and polar, at codon 627 of the GRIN2A protein (p.Ser627Asn).